The following is an entry in ClinVar:

NM_002227.4(JAK1):c.733A>G (p.Lys245Glu)

Gene: JAK1 (Janus kinase 1; minus strand). Cytogenetic location: 1p31.3.
Variant type: single nucleotide variant.
Coding change: c.733A>G on transcript NM_002227.4 (MANE Select); coding-DNA position 733, A replaced by G.
Protein change: p.Lys245Glu; replaces lysine 245 with glutamic acid.
Molecular consequence: missense variant.
Genome position (GRCh38, 1-based): chr1:64,867,123, T>C on the plus strand (A>G on the coding strand, the complement: JAK1 is on the minus strand). VCF-style: chr1-64867123-T-C. GRCh37 (hg19) VCF-style: chr1-65332806-T-C.
Other names: c.733A>G, p.Lys245Glu (NM_001320923.2, NM_001321852.2, NM_001321853.2 and 4 more transcripts); short protein forms K245E.
Identifiers: ClinVar variation 4056508 (VCV004056508.1).

ClinVar aggregate classification (germline): Uncertain significance (1 of 4 stars; one submission).

Conditions:
Autoinflammation, immune dysregulation, and eosinophilia. Also called: ATOPIC DERMATITIS, ENTERITIS, COLITIS, AND EOSINOPHILIA. Identifiers: MedGen C5436572, MONDO:0033558, OMIM 618999.

Submission:

Laboratorio de Genetica e Diagnostico Molecular, Hospital Israelita Albert Einstein
Classification: Uncertain significance for Autoinflammation, immune dysregulation, and eosinophilia. Last evaluated: 2023-11-29. Review status: criteria provided, single submitter. Criteria: ACMG Guidelines, 2015. Collection method: clinical testing. Allele origin: germline. Affected: yes.
Comment: ACMG classification criteria: PM2 moderate, PP2 supporting, BP4 supporting